The following is an entry in ClinVar:

ClinVar aggregate classification (germline): Likely benign. Review status: criteria provided, multiple submitters, no conflicts (2 of 4 stars). 3 submissions from 3 submitters: Likely benign (2). 1 of the submissions does not count toward it. Last evaluated 2024-08-30.

Conditions:
Ichthyosis linearis circumflexa. Identifiers: MedGen C0265962, MONDO:0043106, HP:0025810.
SPINK5-related disorder. Also called: SPINK5-related condition.

Allele frequency attached by ClinVar (database versions not stated): gnomAD exomes below 0.00001.
gnomAD v4.1: 2 of 1,613,438 alleles (0.00012%); highest among the groups gnomAD compares: Admixed American, 0.0017%; no homozygotes.

Submissions (3):

Blueprint Genetics
Classification: Likely benign. Last evaluated: 2024-08-30. Review status: criteria provided, single submitter. Criteria: ACMG Guidelines, 2015. Collection method: clinical testing. Allele origin: germline.

Labcorp Genetics (formerly Invitae), Labcorp
Classification: Likely benign for Ichthyosis linearis circumflexa. Last evaluated: 2023-10-04. Review status: criteria provided, single submitter. Criteria: Invitae Variant Classification Sherloc (09022015). Collection method: clinical testing. Allele origin: germline.

PreventionGenetics, part of Exact Sciences
Classification: Likely benign for SPINK5-related condition. Last evaluated: 2019-02-21. Review status: no assertion criteria provided. Collection method: clinical testing. Allele origin: germline. Not counted in ClinVar's aggregate classification.
Comment: This variant is classified as likely benign based on ACMG/AMP sequence variant interpretation guidelines (Richards et al. 2015 PMID: 25741868, with internal and published modifications).

NM_006846.4(SPINK5):c.1887+10C>G

Gene: SPINK5 (serine peptidase inhibitor Kazal type 5; plus strand). Cytogenetic location: 5q32.
Variant type: single nucleotide variant.
Coding change: c.1887+10C>G on transcript NM_006846.4 (MANE Select); 10 bases into the intron after coding-DNA position 1887, C replaced by G.
Molecular consequence: intron variant.
Genome position (GRCh38, 1-based): chr5:148,112,944, C>G. VCF-style: chr5-148112944-C-G. GRCh37 (hg19) VCF-style: chr5-147492507-C-G.
Other names: c.1887+10C>G (NM_001127698.2, NM_001127699.2).
Identifiers: ClinVar variation 799641 (VCV000799641.9), dbSNP rs1437010002, ClinGen allele CA563523859.